The following is an entry in ClinVar:

NM_000384.3(APOB):c.9158A>G (p.Glu3053Gly)

Gene: APOB (apolipoprotein B; minus strand). Cytogenetic location: 2p24.1.
Variant type: single nucleotide variant.
Coding change: c.9158A>G on transcript NM_000384.3 (MANE Select); coding-DNA position 9158, A replaced by G.
Protein change: p.Glu3053Gly; replaces glutamic acid 3053 with glycine.
Molecular consequence: missense variant.
Genome position (GRCh38, 1-based): chr2:21,007,710, T>C on the plus strand (A>G on the coding strand, the complement: APOB is on the minus strand). VCF-style: chr2-21007710-T-C. GRCh37 (hg19) VCF-style: chr2-21230582-T-C.
Other names: short protein forms E3053G.
Identifiers: ClinVar variation 1765977 (VCV001765977.6), dbSNP rs761745929, ClinGen allele CA066327.

ClinVar aggregate classification (germline): Conflicting classifications of pathogenicity. Review status: criteria provided, conflicting classifications (1 of 4 stars). 3 submissions from 3 submitters: Uncertain significance (2); Likely benign (1). Last evaluated 2025-03-02.

Conditions:
Familial hypobetalipoproteinemia 1. Also called: APOB-Related Familial Hypobetalipoproteinemia; Hypobetalipoproteinemia, normotriglyceridemic; Acanthocytosis with hypobetalipoproteinemia. Identifiers: MedGen C4551990, MONDO:0014252, OMIM 615558.
Hypercholesterolemia, autosomal dominant, type B (FHCL2). Also called: Hyperlipoproteinemia Type IIb; Familial hypercholesterolemia 2; Familial Hypercholesterolemia Type B; APOLIPOPROTEIN B-100, FAMILIAL DEFECTIVE; APOLIPOPROTEIN B-100, FAMILIAL LIGAND-DEFECTIVE; HYPERCHOLESTEROLEMIA, FAMILIAL, DUE TO LIGAND-DEFECTIVE APOLIPOPROTEIN B. Identifiers: MedGen C1704417, MONDO:0007751, OMIM 144010.
Cardiovascular phenotype. Identifiers: MedGen CN230736.

Allele frequency attached by ClinVar (database versions not stated): ExAC 0.00001; gnomAD exomes 0.00001.
gnomAD v4.1: 12 of 1,614,084 alleles (0.00074%); highest among the groups gnomAD compares: Non-Finnish European, 0.00068%; no homozygotes.

Submissions (3):

GeneDx
Classification: Uncertain significance. Last evaluated: 2025-03-02. Review status: criteria provided, single submitter. Criteria: GeneDx Variant Classification Process June 2021. Collection method: clinical testing. Allele origin: germline. Affected: yes.
Comment: Not observed at significant frequency in large population cohorts (gnomAD); In silico analysis supports that this missense variant has a deleterious effect on protein structure/function; Has not been previously published as pathogenic or benign to our knowledge

Labcorp Genetics (formerly Invitae), Labcorp
Classification: Likely benign for Familial hypobetalipoproteinemia 1; Hypercholesterolemia, autosomal dominant, type B. Last evaluated: 2024-04-10. Review status: criteria provided, single submitter. Criteria: Invitae Variant Classification Sherloc (09022015). Collection method: clinical testing. Allele origin: germline.

Ambry Genetics
Classification: Uncertain significance for Cardiovascular phenotype. Last evaluated: 2022-08-01. Review status: criteria provided, single submitter. Criteria: Ambry Variant Classification Scheme 2023. Collection method: clinical testing. Allele origin: germline.
Comment: The p.E3053G variant (also known as c.9158A>G), located in coding exon 26 of the APOB gene, results from an A to G substitution at nucleotide position 9158. The glutamic acid at codon 3053 is replaced by glycine, an amino acid with similar properties. This amino acid position is conserved. In addition, this alteration is predicted to be tolerated by in silico analysis. Since supporting evidence is limited at this time, the clinical significance of this alteration remains unclear.